The following is an entry in ClinVar:

ClinVar aggregate classification (germline): Uncertain significance (1 of 4 stars; one submission).

gnomAD v4.1: 109 of 1,613,636 alleles (0.0068%); highest among the groups gnomAD compares: East Asian, 0.22%; 1 homozygote.

Submission:

Labcorp Genetics (formerly Invitae), Labcorp
Classification: Uncertain significance. Last evaluated: 2025-02-06. Review status: criteria provided, single submitter. Criteria: Invitae Variant Classification Sherloc (09022015). Collection method: clinical testing. Allele origin: germline.
Comment: This sequence change replaces arginine, which is basic and polar, with histidine, which is basic and polar, at codon 1099 of the FOCAD protein (p.Arg1099His). This variant is present in population databases (rs200667588, gnomAD 0.07%), and has an allele count higher than expected for a pathogenic variant. This variant has not been reported in the literature in individuals affected with FOCAD-related conditions. In summary, the available evidence is currently insufficient to determine the role of this variant in disease. Therefore, it has been classified as a Variant of Uncertain Significance.

NM_001375567.1(FOCAD):c.3296G>A (p.Arg1099His)

Gene: FOCAD (focadhesin; plus strand). Cytogenetic location: 9p21.3.
Variant type: single nucleotide variant.
Coding change: c.3296G>A on transcript NM_001375567.1 (MANE Select); coding-DNA position 3296, G replaced by A.
Protein change: p.Arg1099His; replaces arginine 1099 with histidine.
Molecular consequence: missense variant.
Genome position (GRCh38, 1-based): chr9:20,929,575, G>A. VCF-style: chr9-20929575-G-A. GRCh37 (hg19) VCF-style: chr9-20929574-G-A.
Other names: c.3191G>A, p.Arg1064His (NM_001375568.1, NM_001375570.1); c.3296G>A, p.Arg1099His (NM_017794.5); short protein forms R1064H, R1099H.
Identifiers: ClinVar variation 4798210 (VCV004798210.1).